The following is an entry in ClinVar:

ClinVar aggregate classification (germline): Uncertain significance (0 of 4 stars; one submission).

Conditions:
LHFPL5-related disorder. Also called: LHFPL5-related condition.

Allele frequency attached by ClinVar (database versions not stated): gnomAD 0.00001; TOPMed 0.00001.
gnomAD v4.1: 2 of 1,614,070 alleles (0.00012%); highest among the groups gnomAD compares: African/African-American, 0.0027%; no homozygotes.

Submission:

PreventionGenetics, part of Exact Sciences
Classification: Uncertain significance for LHFPL5-related condition. Last evaluated: 2023-12-15. Review status: no assertion criteria provided. Collection method: clinical testing. Allele origin: germline.
Comment: The LHFPL5 c.446C>T variant is predicted to result in the amino acid substitution p.Pro149Leu. To our knowledge, this variant has not been reported in the literature. This variant is reported in 0.011% of alleles in individuals of African descent in gnomAD. At this time, the clinical significance of this variant is uncertain due to the absence of conclusive functional and genetic evidence.

NM_182548.4(LHFPL5):c.446C>T (p.Pro149Leu)

Gene: LHFPL5 (LHFPL tetraspan subfamily member 5; plus strand). Cytogenetic location: 6p21.31.
Variant type: single nucleotide variant.
Coding change: c.446C>T on transcript NM_182548.4 (MANE Select); coding-DNA position 446, C replaced by T.
Protein change: p.Pro149Leu; replaces proline 149 with leucine.
Molecular consequence: missense variant.
Genome position (GRCh38, 1-based): chr6:35,814,579, C>T. VCF-style: chr6-35814579-C-T. GRCh37 (hg19) VCF-style: chr6-35782356-C-T.
Other names: short protein forms P149L.
Identifiers: ClinVar variation 3050800 (VCV003050800.2), dbSNP rs1291098552, ClinGen allele CA363785771.